The following is an entry in ClinVar:

ClinVar aggregate classification (germline): Uncertain significance. Review status: criteria provided, multiple submitters, no conflicts (2 of 4 stars). 2 submissions from 2 submitters: Uncertain significance (2). Last evaluated 2022-06-21.

Conditions:
Birt-Hogg-Dube syndrome. Also called: Birt Hogg Dubé syndrome. Identifiers: Orphanet 122, MedGen C0346010, MONDO:0800444.
Hereditary cancer-predisposing syndrome. Also called: Neoplastic Syndromes, Hereditary; Hereditary Cancer Syndrome; Hereditary neoplastic syndrome; Tumor predisposition. Identifiers: Orphanet 140162, MedGen C0027672, MeSH D009386, MONDO:0015356.

Submissions (2):

Ambry Genetics
Classification: Uncertain significance for Hereditary cancer-predisposing syndrome. Last evaluated: 2022-06-21. Review status: criteria provided, single submitter. Criteria: Ambry Variant Classification Scheme 2023. Collection method: clinical testing. Allele origin: germline.
Comment: The p.R59P variant (also known as c.176G>C), located in coding exon 1 of the FLCN gene, results from a G to C substitution at nucleotide position 176. The arginine at codon 59 is replaced by proline, an amino acid with dissimilar properties. This amino acid position is conserved. In addition, the in silico prediction for this alteration is inconclusive. Since supporting evidence is limited at this time, the clinical significance of this alteration remains unclear.

Labcorp Genetics (formerly Invitae), Labcorp
Classification: Uncertain significance for Birt-Hogg-Dube syndrome. Last evaluated: 2022-04-25. Review status: criteria provided, single submitter. Criteria: Invitae Variant Classification Sherloc (09022015). Collection method: clinical testing. Allele origin: germline.
Comment: ClinVar contains an entry for this variant (Variation ID: 851547). This sequence change replaces arginine, which is basic and polar, with proline, which is neutral and non-polar, at codon 59 of the FLCN protein (p.Arg59Pro). This variant is not present in population databases (gnomAD no frequency). This variant has not been reported in the literature in individuals affected with FLCN-related conditions. In summary, the available evidence is currently insufficient to determine the role of this variant in disease. Therefore, it has been classified as a Variant of Uncertain Significance. Algorithms developed to predict the effect of missense changes on protein structure and function (SIFT, PolyPhen-2, Align-GVGD) all suggest that this variant is likely to be tolerated.

NM_144997.7(FLCN):c.176G>C (p.Arg59Pro)

Gene: FLCN (folliculin; minus strand). Cytogenetic location: 17p11.2.
Variant type: single nucleotide variant.
Coding change: c.176G>C on transcript NM_144997.7 (MANE Select); coding-DNA position 176, G replaced by C.
Protein change: p.Arg59Pro; replaces arginine 59 with proline.
Molecular consequence: missense variant.
Genome position (GRCh38, 1-based): chr17:17,227,962, C>G on the plus strand (G>C on the coding strand, the complement: FLCN is on the minus strand). VCF-style: chr17-17227962-C-G. GRCh37 (hg19) VCF-style: chr17-17131276-C-G.
Other names: c.176G>C, p.Arg59Pro (NM_001353229.2, NM_001353230.2, NM_001353231.2 and 1 more transcripts); short protein forms R59P.
Identifiers: ClinVar variation 851547 (VCV000851547.9), dbSNP rs374969279, ClinGen allele CA398535164.